The following is an entry in ClinVar:

ClinVar aggregate classification (germline): Uncertain significance. Review status: criteria provided, multiple submitters, no conflicts (2 of 4 stars). 2 submissions from 2 submitters: Uncertain significance (2). Last evaluated 2023-02-01.

Conditions:
Aicardi-Goutieres syndrome 7 (AGS7). Identifiers: Orphanet 51, MedGen C3888244, MONDO:0014367, OMIM 615846.
Singleton-Merten syndrome 1 (SGMRT1). Also called: Widened medullary cavities of bone, aortic calcification, abnormal dentition, and muscular weakness; Syndrome of widened medullary cavities of the metacarpals and phalanges, aortic calcification and abnormal dentition. Identifiers: Orphanet 85191, MedGen C4225427, MONDO:0024535, OMIM 182250.

Allele frequency attached by ClinVar (database versions not stated): gnomAD exomes below 0.00001 and 0.00001; ExAC 0.00001.

Submissions (2):

Blueprint Genetics
Classification: Uncertain significance. Last evaluated: 2023-02-01. Review status: criteria provided, single submitter. Criteria: ACMG Guidelines, 2015. Collection method: clinical testing. Allele origin: germline.

Labcorp Genetics (formerly Invitae), Labcorp
Classification: Uncertain significance for Aicardi-Goutieres syndrome 7; Singleton-Merten syndrome 1. Last evaluated: 2020-12-07. Review status: criteria provided, single submitter. Criteria: Invitae Variant Classification Sherloc (09022015). Collection method: clinical testing. Allele origin: germline.
Comment: This sequence change creates a premature translational stop signal (p.Gly357*) in the IFIH1 gene. It is expected to result in an absent or disrupted protein product. The frequency data for this variant in the population databases is considered unreliable, as metrics indicate poor data quality at this position in the ExAC database. This variant has not been reported in the literature in individuals with IFIH1-related conditions. The current clinical and genetic evidence is not sufficient to establish whether loss-of-function variants in IFIH1 cause disease. In summary, the available evidence is currently insufficient to determine the role of this variant in disease. Therefore, it has been classified as a Variant of Uncertain Significance.

NM_022168.4(IFIH1):c.1069G>T (p.Gly357Ter)

Gene: IFIH1 (interferon induced with helicase C domain 1; minus strand). Cytogenetic location: 2q24.2.
Variant type: single nucleotide variant.
Coding change: c.1069G>T on transcript NM_022168.4 (MANE Select); coding-DNA position 1069, G replaced by T.
Protein change: p.Gly357Ter; replaces glycine 357 with a stop codon.
Molecular consequence: nonsense.
Genome position (GRCh38, 1-based): chr2:162,288,161, C>A on the plus strand (G>T on the coding strand, the complement: IFIH1 is on the minus strand). VCF-style: chr2-162288161-C-A. GRCh37 (hg19) VCF-style: chr2-163144671-C-A.
Other names: short protein forms G357*.
Identifiers: ClinVar variation 972084 (VCV000972084.8), dbSNP rs768448518, ClinGen allele CA1934637.